The following is an entry in ClinVar:

ClinVar aggregate classification (germline): Pathogenic (1 of 4 stars; one submission).

Conditions:
Hereditary cancer-predisposing syndrome. Also called: Hereditary Cancer Syndrome; Hereditary neoplastic syndrome; Tumor predisposition; Neoplastic Syndromes, Hereditary. Identifiers: Orphanet 140162, MedGen C0027672, MeSH D009386, MONDO:0015356.

Submission:

Ambry Genetics
Classification: Pathogenic for Hereditary cancer-predisposing syndrome. Last evaluated: 2017-04-13. Review status: criteria provided, single submitter. Criteria: Ambry Variant Classification Scheme 2023. Collection method: clinical testing. Allele origin: germline.
Comment: The c.236_239delCGGT pathogenic mutation, located in coding exon 1 of the MSH6 gene, results from a deletion of 4 nucleotides at nucleotide positions 236 to 239, causing a translational frameshift with a predicted alternate stop codon (p.S79*). This alteration is expected to result in loss of function by premature protein truncation or nonsense-mediated mRNA decay. As such, this alteration is interpreted as a disease-causing mutation.

NM_000179.3(MSH6):c.236_239del (p.Arg78_Ser79insTer)

Gene: MSH6 (mutS homolog 6; plus strand). Cytogenetic location: 2p16.3.
Variant type: Deletion.
Coding change: c.236_239del on transcript NM_000179.3 (MANE Select); coding-DNA positions 236 to 239, 4 bases deleted (CGGT; older notation c.236_239delCGGT).
Protein change: p.Arg78_Ser79insTer.
Molecular consequence: nonsense. On other transcripts: 5 prime UTR variant (1), frameshift variant (11), splice donor variant (1).
Genome position (GRCh38, 1-based): chr2:47,783,469-47,783,472, CGGT deleted; deleting any 4 consecutive bases within chr2:47,783,468-47,783,472 gives the same sequence; the c. name uses the placement nearest the transcript's 3' end. VCF-style (leftmost placement, unchanged base first): chr2-47783467-ATCGG-A. GRCh37 (hg19) VCF-style: chr2-48010606-ATCGG-A.
Other names: c.-501_-498del (NM_001281493.2); c.236_239delCGGT, p.Ser79Terfs (NM_001406795.1, NM_001406796.1, NM_001406798.1 and 8 more transcripts); c.-93_-90delCGGT (NM_001406799.1); c.-693_-690delCGGT (NM_001406807.1); c.-501_-498delCGGT (NM_001406811.1); c.-348_-345delCGGT (NM_001406812.1); c.-759_-756delCGGT (NM_001406814.1); c.-304_-301delCGGT (NM_001406816.1); and 1 more.
Identifiers: ClinVar variation 1790149 (VCV001790149.2), dbSNP rs2530323486, ClinGen allele CA2580067136.